The following is an entry in ClinVar:

ClinVar aggregate classification (germline): Likely benign (1 of 4 stars; one submission).

Allele frequency attached by ClinVar (database versions not stated): 1000 Genomes Project 0.00140; 1000 Genomes Project 30x 0.00172; ExAC 0.00226.
gnomAD v4.1: 10,383 of 1,536,410 alleles (0.68%); highest among the groups gnomAD compares: Non-Finnish European, 0.83%; 75 homozygotes.

Submission:

CeGaT Center for Human Genetics Tuebingen
Classification: Likely benign. Last evaluated: 2023-03-01. Review status: criteria provided, single submitter. Criteria: CeGaT Center For Human Genetics Tuebingen Variant Classification Criteria Version 2. Collection method: clinical testing. Allele origin: germline. Affected: yes. Observed: 1 variant allele.
Comment: SYTL2: BP4, BS2

NM_206927.4(SYTL2):c.2213G>C (p.Gly738Ala)

Gene: SYTL2 (synaptotagmin like 2; minus strand). Cytogenetic location: 11q14.1.
Variant type: single nucleotide variant.
Coding change: c.2213G>C on transcript NM_206927.4 (MANE Select); coding-DNA position 2213, G replaced by C.
Protein change: p.Gly738Ala; replaces glycine 738 with alanine.
Molecular consequence: missense variant. On other transcripts: intron variant (25).
Genome position (GRCh38, 1-based): chr11:85,727,145, C>G on the plus strand (G>C on the coding strand, the complement: SYTL2 is on the minus strand). VCF-style: chr11-85727145-C-G. GRCh37 (hg19) VCF-style: chr11-85438188-C-G.
Other names: c.1459+751G>C (NM_032943.5, NM_001394465.1, NM_001394455.1 and 6 more transcripts); c.1462+751G>C (NM_001162953.4, NM_001365826.2, NM_001394454.1 and 1 more transcripts); c.1381+751G>C (NM_001394472.1, NM_001394460.1, NM_001394471.1 and 1 more transcripts); c.1237+751G>C (NM_001394469.1); c.1315+751G>C (NM_001394466.1, NM_001365827.2, NM_001289608.2); c.1378+751G>C (NM_001394464.1, NM_001394461.1, NM_001394468.1); c.1310-6186G>C (NM_001394467.1); c.2213G>C, p.Gly738Ala (NM_001394452.1, NM_001394448.1, NM_001394449.1); and 3 more; short protein forms G710A, G711A, G737A, G738A.
Identifiers: ClinVar variation 2642244 (VCV002642244.24), dbSNP rs199940366, ClinGen allele CA6214424.